The following is an entry in ClinVar:

NM_001394372.1(BICRA):c.1767_1770del (p.Pro590fs)

Gene: BICRA (BRD4 interacting chromatin remodeling complex associated protein; plus strand). Cytogenetic location: 19q13.33.
Variant type: Deletion.
Coding change: c.1767_1770del on transcript NM_001394372.1 (MANE Select); coding-DNA positions 1767 to 1770, 4 bases deleted (CCCC; older notation c.1767_1770delCCCC).
Protein change: p.Pro590fs; shifts the reading frame from proline 590.
Molecular consequence: frameshift variant.
Genome position (GRCh38, 1-based): chr19:47,680,937-47,680,940, CCCC deleted; deleting any 4 consecutive bases within chr19:47,680,935-47,680,940 gives the same sequence; the c. name uses the placement nearest the transcript's 3' end. VCF-style (leftmost placement, unchanged base first): chr19-47680934-GCCCC-G. GRCh37 (hg19) VCF-style: chr19-48184191-GCCCC-G.
Other names: c.1767_1770del, p.Pro590fs (NM_015711.3); short protein forms P590fs.
Identifiers: ClinVar variation 3775980 (VCV003775980.1).

ClinVar aggregate classification (germline): Pathogenic (1 of 4 stars; one submission).

Conditions:
Coffin-Siris syndrome 12. Identifiers: MedGen C5444111, MONDO:0025699, OMIM 619325.

Submission:

3billion
Classification: Pathogenic for Coffin-Siris syndrome 12. Last evaluated: 2023-10-24. Review status: criteria provided, single submitter. Criteria: ACMG Guidelines, 2015. Collection method: clinical testing. Allele origin: germline. Affected: yes.
Comment: The variant is not observed in the gnomAD v2.1.1 dataset. Predicted Consequence/Location: Frameshift: predicted to result in a loss or disruption of normal protein function through nonsense-mediated decay (NMD) or protein truncation. Multiple pathogenic variants are reported downstream of the variant. Therefore, this variant is classified as Pathogenic according to the recommendation of ACMG/AMP guideline.